The following is an entry in ClinVar:

ClinVar aggregate classification (germline): Uncertain significance (1 of 4 stars; one submission).

gnomAD v4.1: 1 of 1,613,566 alleles (0.000062%); highest among the groups gnomAD compares: South Asian, 0.0011%; no homozygotes.

Submission:

Women's Health and Genetics/Laboratory Corporation of America, LabCorp
Classification: Uncertain significance. Last evaluated: 2021-08-27. Review status: criteria provided, single submitter. Criteria: LabCorp Variant Classification Summary - May 2015. Collection method: clinical testing. Allele origin: germline.
Comment: Variant summary: HBB c.316-20C>T alters a non-conserved nucleotide located close to a canonical splice site and therefore could affect mRNA splicing, leading to a significantly altered protein sequence. 4/4 computational tools predict no significant impact on normal splicing. However, these predictions have yet to be confirmed by functional studies. The variant was absent in 250782 control chromosomes. The available data on variant occurrences in the general population are insufficient to allow any conclusion about variant significance. To our knowledge, no occurrence of c.316-20C>T in individuals affected with Hemoglobinopathy and no experimental evidence demonstrating its impact on protein function have been reported. No clinical diagnostic laboratories have submitted clinical-significance assessments for this variant to ClinVar after 2014. Based on the evidence outlined above, the variant was classified as uncertain significance.

NM_000518.5(HBB):c.316-20C>T

Genes: HBB (hemoglobin subunit beta; minus strand), LOC107133510 (origin of replication at HBB; plus strand), LOC110006319 (beta-globin gene 3' regulatory region; plus strand). Cytogenetic location: 11p15.4.
Variant type: single nucleotide variant.
Coding change: c.316-20C>T on transcript NM_000518.5 (MANE Select); 20 bases into the intron before coding-DNA position 316, C replaced by T.
Molecular consequence: intron variant.
Genome position (GRCh38, 1-based): chr11:5,225,746, G>A on the plus strand (C>T on the coding strand, the complement: HBB is on the minus strand). VCF-style: chr11-5225746-G-A. GRCh37 (hg19) VCF-style: chr11-5246976-G-A.
Identifiers: ClinVar variation 1217280 (VCV001217280.1), dbSNP rs756657263, ClinGen allele CA2499220999.